The following is an entry in ClinVar:

NM_001148.6(ANK2):c.2150A>C (p.His717Pro)

Gene: ANK2 (ankyrin 2; plus strand). Cytogenetic location: 4q26.
Variant type: single nucleotide variant.
Coding change: c.2150A>C on transcript NM_001148.6 (MANE Select); coding-DNA position 2150, A replaced by C.
Protein change: p.His717Pro; replaces histidine 717 with proline.
Molecular consequence: missense variant.
Genome position (GRCh38, 1-based): chr4:113,287,675, A>C. VCF-style: chr4-113287675-A-C. GRCh37 (hg19) VCF-style: chr4-114208831-A-C.
Other names: c.2087A>C, p.His696Pro (NM_001127493.3, NM_001354239.2, NM_001354243.2 and 10 more transcripts); c.2150A>C, p.His717Pro (NM_001354225.2, NM_001354228.2, NM_001354232.2 and 6 more transcripts); c.2195A>C, p.His732Pro (NM_001354230.2, NM_001354231.2, NM_001354237.2 and 5 more transcripts); c.2051A>C, p.His684Pro (NM_001354245.2, NM_001354268.2); c.2063A>C, p.His688Pro (NM_001354249.2, NM_001354264.2, NM_001354266.2 and 10 more transcripts); c.1988A>C, p.His663Pro (NM_001354253.2, NM_001354257.2, NM_001354270.2 and 1 more transcripts); c.1964A>C, p.His655Pro (NM_001354260.2, NM_001354271.2, NM_001386151.1); c.2108A>C, p.His703Pro (NM_001354261.2, NM_001386147.1, NM_001386160.1); and 8 more; short protein forms H589P, H622P, H684P, H717P, H655P, H688P, H713P, H726P.
Identifiers: ClinVar variation 1786738 (VCV001786738.3), dbSNP rs781744618, ClinGen allele CA3050463.

ClinVar aggregate classification (germline): Uncertain significance (1 of 4 stars; one submission).

Conditions:
Cardiovascular phenotype. Identifiers: MedGen CN230736.

Allele frequency attached by ClinVar (database versions not stated): ExAC 0.00001.

Submission:

Ambry Genetics
Classification: Uncertain significance for Cardiovascular phenotype. Last evaluated: 2025-05-24. Review status: criteria provided, single submitter. Criteria: Ambry Variant Classification Scheme 2023. Collection method: clinical testing. Allele origin: germline.
Comment: The p.H717P variant (also known as c.2150A>C), located in coding exon 19 of the ANK2 gene, results from an A to C substitution at nucleotide position 2150. The histidine at codon 717 is replaced by proline, an amino acid with similar properties. This amino acid position is conserved. In addition, the in silico prediction for this alteration is inconclusive. Since supporting evidence is limited at this time, the clinical significance of this alteration remains unclear.